The following is an entry in ClinVar:

ClinVar aggregate classification (germline): Uncertain significance. Review status: criteria provided, multiple submitters, no conflicts (2 of 4 stars). 3 submissions from 3 submitters: Uncertain significance (3). Last evaluated 2025-11-12.

Conditions:
Autosomal dominant osteopetrosis 1 (OPTA1). Also called: OSTEOPETROSIS, AUTOSOMAL DOMINANT, TYPE I. Identifiers: Orphanet 2783, MedGen C1843330, MONDO:0011877, OMIM 607634.
Polycystic liver disease 4 with or without kidney cysts. Identifiers: MedGen C4693479, MONDO:0044327, OMIM 617875.
Exudative vitreoretinopathy 4 (EVR4). Identifiers: Orphanet 891, MedGen C1866176, MONDO:0011151, OMIM 601813.
Osteoporosis with pseudoglioma (OPPG). Also called: osteoporosis-pseudoglioma syndrome. Identifiers: Orphanet 2788, MedGen C0432252, MONDO:0009820, OMIM 259770.
Bone mineral density quantitative trait locus 1 (BMND1). Identifiers: MedGen C1866079, OMIM 601884.
Worth disease. Also called: Autosomal dominant osteosclerosis, Worth type; ENDOSTEAL HYPEROSTOSIS, AUTOSOMAL DOMINANT; OSTEOSCLEROSIS, AUTOSOMAL DOMINANT. Identifiers: Orphanet 2790, MedGen C0432273, MONDO:0007764, OMIM 144750.
Inborn genetic diseases. Identifiers: MedGen C0950123, MeSH D030342.

Allele frequency attached by ClinVar (database versions not stated): TOPMed 0.00003; gnomAD 0.00004.
gnomAD v4.1: 9 of 1,071,004 alleles (0.00084%); highest among the groups gnomAD compares: Admixed American, 0.018%; no homozygotes.

Submissions (3):

Ambry Genetics
Classification: Uncertain significance for Inborn genetic diseases. Last evaluated: 2025-11-12. Review status: criteria provided, single submitter. Criteria: Ambry Variant Classification Scheme 2023. Collection method: clinical testing. Allele origin: germline.

Fulgent Genetics
Classification: Uncertain significance for Worth disease; Osteoporosis with pseudoglioma; Exudative vitreoretinopathy 4; Bone mineral density quantitative trait locus 1; Autosomal dominant osteopetrosis 1; Polycystic liver disease 4 with or without kidney cysts. Last evaluated: 2024-04-12. Review status: criteria provided, single submitter. Criteria: ACMG Guidelines, 2015. Collection method: clinical testing. Allele origin: germline.

Labcorp Genetics (formerly Invitae), Labcorp
Classification: Uncertain significance. Last evaluated: 2023-11-13. Review status: criteria provided, single submitter. Criteria: Invitae Variant Classification Sherloc (09022015). Collection method: clinical testing. Allele origin: germline.
Comment: This sequence change replaces proline, which is neutral and non-polar, with serine, which is neutral and polar, at codon 11 of the LRP5 protein (p.Pro11Ser). The frequency data for this variant in the population databases is considered unreliable, as metrics indicate poor data quality at this position in the gnomAD database. This variant has not been reported in the literature in individuals affected with LRP5-related conditions. ClinVar contains an entry for this variant (Variation ID: 1483118). Advanced modeling of protein sequence and biophysical properties (such as structural, functional, and spatial information, amino acid conservation, physicochemical variation, residue mobility, and thermodynamic stability) has been performed at Invitae for this missense variant, however the output from this modeling did not meet the statistical confidence thresholds required to predict the impact of this variant on LRP5 protein function. In summary, the available evidence is currently insufficient to determine the role of this variant in disease. Therefore, it has been classified as a Variant of Uncertain Significance.

NM_002335.4(LRP5):c.31C>T (p.Pro11Ser)

Gene: LRP5 (LDL receptor related protein 5; plus strand). Cytogenetic location: 11q13.2.
Variant type: single nucleotide variant.
Coding change: c.31C>T on transcript NM_002335.4 (MANE Select); coding-DNA position 31, C replaced by T.
Protein change: p.Pro11Ser; replaces proline 11 with serine.
Molecular consequence: missense variant. On other transcripts: 5 prime UTR variant (1).
Genome position (GRCh38, 1-based): chr11:68,312,745, C>T. VCF-style: chr11-68312745-C-T. GRCh37 (hg19) VCF-style: chr11-68080213-C-T.
Other names: c.31C>T (NM_002335.2); c.-1735C>T (NM_001291902.2); short protein forms P11S.
Identifiers: ClinVar variation 1483118 (VCV001483118.9), dbSNP rs1272970460, ClinGen allele CA381607336.
Genomic context (GRCh38, chr11:68,312,745, plus strand): 5'-CGGCGCGGGCCCGTCCGGCCGCCGGACAACATGGAGGCAGCGCCGCCCGGGCCGCCGTGG[C>T]CGCTGCTGCTGCTGCTGCTGCTGCTGCTGGCGCTGTGCGGCTGCCCGGCCCCCGCCGCGG-3'
Protein context (NP_002326.2, residues 1-21): MEAAPPGPPW[Pro11Ser]LLLLLLLLLA